The following is an entry in ClinVar:

NM_172107.4(KCNQ2):c.2350del (p.Ser784fs)

Gene: KCNQ2 (potassium voltage-gated channel subfamily Q member 2; minus strand). Cytogenetic location: 20q13.33.
Variant type: Deletion.
Coding change: c.2350del on transcript NM_172107.4 (MANE Select); coding-DNA position 2350, one base deleted (A; older notation c.2350delA).
Protein change: p.Ser784fs; shifts the reading frame from serine 784.
Molecular consequence: frameshift variant.
Genome position (GRCh38, 1-based): chr20:63,406,913, T deleted on the plus strand (A on the coding strand, the reverse complement: KCNQ2 is on the minus strand). VCF-style (leftmost placement, unchanged base first): chr20-63406912-CT-C. GRCh37 (hg19) VCF-style: chr20-62038265-CT-C.
Other names: c.2404del, p.Ser802fs (NM_001382235.1); c.2293del, p.Ser765fs (NM_001439003.1); c.2263del, p.Ser755fs (NM_001439004.1); c.2266del, p.Ser756fs (NM_004518.6); c.2296del, p.Ser766fs (NM_172106.3); c.2257del, p.Ser753fs (NM_172108.5); short protein forms S753fs, S756fs, S784fs, S802fs, S765fs, S755fs, S766fs.
Identifiers: ClinVar variation 4088181 (VCV004088181.2).

ClinVar aggregate classification (germline): Pathogenic (1 of 4 stars; one submission).

Submission:

GeneDx
Classification: Pathogenic. Last evaluated: 2026-01-12. Review status: criteria provided, single submitter. Criteria: GeneDx Variant Classification Process June 2021. Collection method: clinical testing. Allele origin: germline.
Comment: Frameshift variant predicted to result in abnormal protein length as the last 89 amino acids are replaced with 145 different amino acids, and other similar variants have been reported in HGMD; Not observed at significant frequency in large population cohorts (gnomAD); Has not been previously published as pathogenic or benign to our knowledge